The following is an entry in ClinVar:

NM_012433.4(SF3B1):c.1843C>T (p.Pro615Ser)

Gene: SF3B1 (splicing factor 3b subunit 1; minus strand). Cytogenetic location: 2q33.1.
Variant type: single nucleotide variant.
Coding change: c.1843C>T on transcript NM_012433.4 (MANE Select); coding-DNA position 1843, C replaced by T.
Protein change: p.Pro615Ser; replaces proline 615 with serine.
Molecular consequence: missense variant.
Genome position (GRCh38, 1-based): chr2:197,402,790, G>A on the plus strand (C>T on the coding strand, the complement: SF3B1 is on the minus strand). VCF-style: chr2-197402790-G-A. GRCh37 (hg19) VCF-style: chr2-198267514-G-A.
Other names: short protein forms P615S.
Identifiers: ClinVar variation 4755754 (VCV004755754.1).
Genomic context (GRCh38, chr2:197,402,790, plus strand): 5'-CAACAGCAAAAGCTCTAGCTGTTGTGTTACGGACATACTCATCCATGTTATCTATATCAG[G>A]TCTCATGGTAGAGATCATAGTAGCCAGACCAGCAGCCTAAAATGTAAACAAAGAAAGGAC-3'
Protein context (NP_036565.2, residues 605-625): GLATMISTMR[Pro615Ser]DIDNMDEYVR

ClinVar aggregate classification (germline): Uncertain significance (1 of 4 stars; one submission).

Submission:

GeneDx
Classification: Uncertain significance. Last evaluated: 2023-09-13. Review status: criteria provided, single submitter. Criteria: GeneDx Variant Classification Process June 2021. Collection method: clinical testing. Allele origin: germline. Affected: yes.
Comment: Not observed at significant frequency in large population cohorts (gnomAD); In silico analysis supports that this missense variant has a deleterious effect on protein structure/function; Has not been previously published as pathogenic or benign to our knowledge; Variants in candidate genes are classified as variants of uncertain significance in accordance with ACMG guidelines (Richards et al., 2015)